The following is an entry in ClinVar:

NM_182493.3(MYLK3):c.812T>C (p.Val271Ala)

Gene: MYLK3 (myosin light chain kinase 3; minus strand). Cytogenetic location: 16q11.2.
Variant type: single nucleotide variant.
Coding change: c.812T>C on transcript NM_182493.3 (MANE Select); coding-DNA position 812, T replaced by C.
Protein change: p.Val271Ala; replaces valine 271 with alanine.
Molecular consequence: missense variant. On other transcripts: intron variant (1).
Genome position (GRCh38, 1-based): chr16:46,737,900, A>G on the plus strand (T>C on the coding strand, the complement: MYLK3 is on the minus strand). VCF-style: chr16-46737900-A-G. GRCh37 (hg19) VCF-style: chr16-46771812-A-G.
Other names: c.-23+2157T>C (NM_001308301.1); short protein forms V271A.
Identifiers: ClinVar variation 3002273 (VCV003002273.3), dbSNP rs942717439, ClinGen allele CA395794178.

ClinVar aggregate classification (germline): Uncertain significance (1 of 4 stars; one submission).

Submission:

Labcorp Genetics (formerly Invitae), Labcorp
Classification: Uncertain significance. Last evaluated: 2023-05-05. Review status: criteria provided, single submitter. Criteria: Invitae Variant Classification Sherloc (09022015). Collection method: clinical testing. Allele origin: germline.
Comment: In summary, the available evidence is currently insufficient to determine the role of this variant in disease. Therefore, it has been classified as a Variant of Uncertain Significance. Algorithms developed to predict the effect of missense changes on protein structure and function output the following: SIFT: "Not Available"; PolyPhen-2: "Benign"; Align-GVGD: "Not Available". The alanine amino acid residue is found in multiple mammalian species, which suggests that this missense change does not adversely affect protein function. This variant has not been reported in the literature in individuals affected with MYLK3-related conditions. This variant is not present in population databases (gnomAD no frequency). This sequence change replaces valine, which is neutral and non-polar, with alanine, which is neutral and non-polar, at codon 271 of the MYLK3 protein (p.Val271Ala).